The following is an entry in ClinVar:

ClinVar aggregate classification (germline): Uncertain significance (1 of 4 stars; one submission).

Submission:

Labcorp Genetics (formerly Invitae), Labcorp
Classification: Uncertain significance. Last evaluated: 2023-11-15. Review status: criteria provided, single submitter. Criteria: Invitae Variant Classification Sherloc (09022015). Collection method: clinical testing. Allele origin: germline.
Comment: This sequence change replaces arginine, which is basic and polar, with glycine, which is neutral and non-polar, at codon 734 of the MSH3 protein (p.Arg734Gly). This variant is not present in population databases (gnomAD no frequency). This variant has not been reported in the literature in individuals affected with MSH3-related conditions. An algorithm developed to predict the effect of missense changes on protein structure and function (PolyPhen-2) suggests that this variant is likely to be disruptive. In summary, the available evidence is currently insufficient to determine the role of this variant in disease. Therefore, it has been classified as a Variant of Uncertain Significance.

NM_002439.5(MSH3):c.2200C>G (p.Arg734Gly)

Gene: MSH3 (mutS homolog 3; plus strand). Cytogenetic location: 5q14.1.
Variant type: single nucleotide variant.
Coding change: c.2200C>G on transcript NM_002439.5 (MANE Select); coding-DNA position 2200, C replaced by G.
Protein change: p.Arg734Gly; replaces arginine 734 with glycine.
Molecular consequence: missense variant.
Genome position (GRCh38, 1-based): chr5:80,768,950, C>G. VCF-style: chr5-80768950-C-G. GRCh37 (hg19) VCF-style: chr5-80064769-C-G.
Other names: short protein forms R734G.
Identifiers: ClinVar variation 2696063 (VCV002696063.3), dbSNP rs770330684, ClinGen allele CA360279612.
Genomic context (GRCh38, chr5:80,768,950, plus strand): 5'-AAGAGGAAGGATGAAATTCAAGGTGTTATTGACGAGATCCGAATGCATTTGCAAGAAATA[C>G]GAAAAATACTAAAAAATCCTTCTGCACAATATGTGACAGTATCAGGACAGGAGGTAATGT-3'
Protein context (NP_002430.3, residues 724-744): DEIRMHLQEI[Arg734Gly]KILKNPSAQY